The following is an entry in ClinVar:

ClinVar aggregate classification (germline): Uncertain significance (1 of 4 stars; one submission).

Submission:

Ambry Genetics
Classification: Uncertain significance. Last evaluated: 2026-09-08. Review status: criteria provided, single submitter. Criteria: Ambry Variant Classification Scheme 2023. Collection method: clinical testing. Allele origin: germline.
Comment: The p.A440T variant (also known as c.1318G>A), located in coding exon 8 of the ATRIP gene, results from a G to A substitution at nucleotide position 1318. The alanine at codon 440 is replaced by threonine, an amino acid with similar properties. This amino acid position is conserved. In addition, this alteration is predicted to be tolerated by in silico analysis. Based on the available evidence, the clinical significance of this variant remains unclear.

NM_130384.3(ATRIP):c.1318G>A (p.Ala440Thr)

Genes: ATRIP (ATR interacting protein; plus strand), ATRIP-TREX1 (ATRIP-TREX1 readthrough; plus strand). Cytogenetic location: 3p21.31.
Variant type: single nucleotide variant.
Coding change: c.1318G>A on transcript NM_130384.3 (MANE Select); coding-DNA position 1318, G replaced by A.
Protein change: p.Ala440Thr; replaces alanine 440 with threonine.
Molecular consequence: missense variant. On other transcripts: non-coding transcript variant (1).
Genome position (GRCh38, 1-based): chr3:48,460,372, G>A. VCF-style: chr3-48460372-G-A. GRCh37 (hg19) VCF-style: chr3-48501771-G-A.
Other names: c.937G>A, p.Ala313Thr (NM_001271022.2); c.1039G>A, p.Ala347Thr (NM_001271023.2); c.1318G>A, p.Ala440Thr (NM_032166.4); short protein forms A440T, A313T, A347T.
Identifiers: ClinVar variation 5032487 (VCV005032487.1).